The following is an entry in ClinVar:

NM_001080467.3(MYO5B):c.2647C>T (p.Leu883=)

Gene: MYO5B (myosin VB; minus strand). Cytogenetic location: 18q21.1.
Variant type: single nucleotide variant.
Coding change: c.2647C>T on transcript NM_001080467.3 (MANE Select); coding-DNA position 2647, C replaced by T.
Protein change: p.Leu883=; no amino-acid change (leucine 883 retained).
Molecular consequence: synonymous variant.
Genome position (GRCh38, 1-based): chr18:49,902,758, G>A on the plus strand (C>T on the coding strand, the complement: MYO5B is on the minus strand). VCF-style: chr18-49902758-G-A. GRCh37 (hg19) VCF-style: chr18-47429128-G-A.
Identifiers: ClinVar variation 327039 (VCV000327039.17), dbSNP rs375746475, ClinGen allele CA8960982.

ClinVar aggregate classification (germline): Conflicting classifications of pathogenicity. Review status: criteria provided, conflicting classifications (1 of 4 stars). 5 submissions from 5 submitters: Uncertain significance (1); Likely benign (3). 1 of the submissions does not count toward it. Last evaluated 2026-05-01.

Conditions:
MYO5B-related disorder. Also called: MYO5B-related condition.
Congenital microvillous atrophy (DIAR2). Also called: CONGENITAL FAMILIAL PROTRACTED DIARRHEA WITH ENTEROCYTE BRUSH-BORDER ABNORMALITIES; DAVIDSON DISEASE; Microvillus inclusion disease; Diarrhea 2 with microvillus atrophy, with or without cholestasis; MICROVILLUS ATROPHY, CONGENITAL. Identifiers: Orphanet 2290, MedGen C0341306, MONDO:0009635, OMIM 251850.

Allele frequency attached by ClinVar (database versions not stated): ESP Exome Variant Server 0.00008; ExAC 0.00012; gnomAD exomes 0.00016 and 0.00017; TOPMed 0.00017; gnomAD 0.00022 and 0.00024.
gnomAD v4.1: 275 of 1,606,710 alleles (0.017%); highest among the groups gnomAD compares: Admixed American, 0.033%; no homozygotes.

Submissions (5):

CeGaT Center for Human Genetics Tuebingen
Classification: Likely benign. Last evaluated: 2026-05-01. Review status: criteria provided, single submitter. Criteria: CeGaT Center For Human Genetics Tuebingen Variant Classification Criteria Version 2. Collection method: clinical testing. Allele origin: germline. Affected: yes. Observed: 1 variant allele.
Comment: MYO5B: BP4, BP7

Labcorp Genetics (formerly Invitae), Labcorp
Classification: Likely benign. Last evaluated: 2026-01-05. Review status: criteria provided, single submitter. Criteria: Invitae Variant Classification Sherloc (09022015). Collection method: clinical testing. Allele origin: germline.

Blueprint Genetics
Classification: Likely benign. Last evaluated: 2024-08-28. Review status: criteria provided, single submitter. Criteria: ACMG Guidelines, 2015. Collection method: clinical testing. Allele origin: germline.

Illumina Laboratory Services, Illumina
Classification: Uncertain significance for Congenital microvillous atrophy. Last evaluated: 2018-01-13. Review status: criteria provided, single submitter. Criteria: ICSL Variant Classification Criteria 13 December 2019. Collection method: clinical testing. Allele origin: germline.

PreventionGenetics, part of Exact Sciences
Classification: Likely benign for MYO5B-related condition. Last evaluated: 2024-03-11. Review status: no assertion criteria provided. Collection method: clinical testing. Allele origin: germline. Not counted in ClinVar's aggregate classification.
Comment: This variant is classified as likely benign based on ACMG/AMP sequence variant interpretation guidelines (Richards et al. 2015 PMID: 25741868, with internal and published modifications).